The following is an entry in ClinVar:

ClinVar aggregate classification (germline): Uncertain significance (1 of 4 stars; one submission).

Conditions:
Combined oxidative phosphorylation deficiency 35 (COXPD35). Identifiers: MedGen C4693466, MONDO:0054742, OMIM 617873.

Submission:

Juno Genomics, Hangzhou Juno Genomics, Inc
Classification: Uncertain significance for Combined oxidative phosphorylation deficiency 35. Review status: criteria provided, single submitter. Criteria: ACMG Guidelines, 2015. Collection method: clinical testing. Allele origin: germline. Affected: yes.
Comment: Absent from controls (or at extremely low frequency if recessive) in Genome Aggregation Database, Exome Sequencing Project, 1000 Genomes Project, or Exome Aggregation Consortium.;Co-segregation with disease in multiple affected family members in a gene definitively known to cause the disease.;Patient's phenotype or family history is highly specific for a disease with a single genetic etiology.

NM_017646.6(TRIT1):c.323A>T (p.Asp108Val)

Gene: TRIT1 (tRNA isopentenyltransferase 1; minus strand). Cytogenetic location: 1p34.2.
Variant type: single nucleotide variant.
Coding change: c.323A>T on transcript NM_017646.6 (MANE Select); coding-DNA position 323, A replaced by T.
Protein change: p.Asp108Val; replaces aspartic acid 108 with valine.
Molecular consequence: missense variant. On other transcripts: intron variant (1).
Genome position (GRCh38, 1-based): chr1:39,854,061, T>A on the plus strand (A>T on the coding strand, the complement: TRIT1 is on the minus strand). VCF-style: chr1-39854061-T-A. GRCh37 (hg19) VCF-style: chr1-40319733-T-A.
Other names: c.323A>T, p.Asp108Val (NM_001312691.2); c.175-1185A>T (NM_001312692.1); short protein forms D108V.
Identifiers: ClinVar variation 4072426 (VCV004072426.2).